The following is an entry in ClinVar:

ClinVar aggregate classification (germline): Uncertain significance (1 of 4 stars; one submission).

Allele frequency attached by ClinVar (database versions not stated): gnomAD exomes 0.00001; ExAC 0.00003.
gnomAD v4.1: 10 of 1,610,060 alleles (0.00062%); highest among the groups gnomAD compares: South Asian, 0.011%; no homozygotes.

Submission:

Labcorp Genetics (formerly Invitae), Labcorp
Classification: Uncertain significance. Last evaluated: 2023-09-12. Review status: criteria provided, single submitter. Criteria: Invitae Variant Classification Sherloc (09022015). Collection method: clinical testing. Allele origin: germline.
Comment: In summary, the available evidence is currently insufficient to determine the role of this variant in disease. Therefore, it has been classified as a Variant of Uncertain Significance. An algorithm developed to predict the effect of missense changes on protein structure and function (PolyPhen-2) suggests that this variant is likely to be tolerated. This variant has not been reported in the literature in individuals affected with LSR-related conditions. This variant is present in population databases (rs773692406, gnomAD 0.01%). This sequence change replaces glutamic acid, which is acidic and polar, with alanine, which is neutral and non-polar, at codon 611 of the LSR protein (p.Glu611Ala).

NM_205834.4(LSR):c.1688A>C (p.Glu563Ala)

Gene: LSR (lipolysis stimulated lipoprotein receptor; plus strand). Cytogenetic location: 19q13.12.
Variant type: single nucleotide variant.
Coding change: c.1688A>C on transcript NM_205834.4 (MANE Select); coding-DNA position 1688, A replaced by C.
Protein change: p.Glu563Ala; replaces glutamic acid 563 with alanine.
Molecular consequence: missense variant.
Genome position (GRCh38, 1-based): chr19:35,267,652, A>C. VCF-style: chr19-35267652-A-C. GRCh37 (hg19) VCF-style: chr19-35758555-A-C.
Other names: c.1628A>C, p.Glu543Ala (NM_001260489.2); c.1364A>C, p.Glu455Ala (NM_001260490.2); c.1481A>C, p.Glu494Ala (NM_001385215.1); c.1631A>C, p.Glu544Ala (NM_015925.7); c.1484A>C, p.Glu495Ala (NM_205835.4); short protein forms E455A, E563A, E494A, E543A, E495A, E544A.
Identifiers: ClinVar variation 2718106 (VCV002718106.3), dbSNP rs773692406, ClinGen allele CA9375174.